The following is an entry in ClinVar:

ClinVar aggregate classification (germline): Uncertain significance (1 of 4 stars; one submission).

Conditions:
Autosomal dominant hypocalcemia 1 (HYPOC1). Also called: HYPOCALCEMIA, FAMILIAL. Identifiers: MedGen C3715128, MONDO:0011013, OMIM 601198.
Familial hypocalciuric hypercalcemia (FHH). Also called: Familial benign hypercalcemia. Identifiers: Orphanet 405, MedGen C1809471, MONDO:0018458.

gnomAD v4.1: 1 of 1,614,188 alleles (0.000062%); highest among the groups gnomAD compares: Non-Finnish European, 0.000085%; no homozygotes.

Submission:

Labcorp Genetics (formerly Invitae), Labcorp
Classification: Uncertain significance for Familial hypocalciuric hypercalcemia; Autosomal dominant hypocalcemia 1. Last evaluated: 2021-01-14. Review status: criteria provided, single submitter. Criteria: Invitae Variant Classification Sherloc (09022015). Collection method: clinical testing. Allele origin: germline.
Comment: This sequence change replaces serine with asparagine at codon 1061 of the CASR protein (p.Ser1061Asn). The serine residue is moderately conserved and there is a small physicochemical difference between serine and asparagine. This variant is not present in population databases (ExAC no frequency). In summary, the available evidence is currently insufficient to determine the role of this variant in disease. Therefore, it has been classified as a Variant of Uncertain Significance. Algorithms developed to predict the effect of missense changes on protein structure and function are either unavailable or do not agree on the potential impact of this missense change (SIFT: "Deleterious"; PolyPhen-2: "Benign"; Align-GVGD: "Class C0"). This variant has not been reported in the literature in individuals with CASR-related conditions.

NM_000388.4(CASR):c.3182G>A (p.Ser1061Asn)

Gene: CASR (calcium sensing receptor; plus strand). Cytogenetic location: 3q21.1.
Variant type: single nucleotide variant.
Coding change: c.3182G>A on transcript NM_000388.4 (MANE Select); coding-DNA position 3182, G replaced by A.
Protein change: p.Ser1061Asn; replaces serine 1061 with asparagine.
Molecular consequence: missense variant.
Genome position (GRCh38, 1-based): chr3:122,285,136, G>A. VCF-style: chr3-122285136-G-A. GRCh37 (hg19) VCF-style: chr3-122003983-G-A.
Other names: c.3212G>A, p.Ser1071Asn (NM_001178065.2); short protein forms S1061N, S1071N.
Identifiers: ClinVar variation 1003167 (VCV001003167.9), dbSNP rs2074954983, ClinGen allele CA354161727.